The following is an entry in ClinVar:

ClinVar aggregate classification (germline): Uncertain significance. Review status: criteria provided, multiple submitters, no conflicts (2 of 4 stars). 5 submissions from 5 submitters: Uncertain significance (5). Last evaluated 2025-05-26.

Conditions:
Aortic aneurysm, familial thoracic 4 (AAT4). Also called: AORTIC ANEURYSM/AORTIC DISSECTION AND PATENT DUCTUS ARTERIOSUS. Identifiers: MedGen C1851504, MONDO:0007568, OMIM 132900.
Familial thoracic aortic aneurysm and aortic dissection (TAAD). Also called: Thoracic aortic aneurysms and dissections. Identifiers: Orphanet 91387, MedGen C4707243, MONDO:0019625.

Allele frequency attached by ClinVar (database versions not stated): gnomAD 0.00001 and 0.00002; gnomAD exomes 0.00001 and 0.00002; TOPMed 0.00002.
gnomAD v4.1: 36 of 1,614,062 alleles (0.0022%); highest among the groups gnomAD compares: Non-Finnish European, 0.0029%; no homozygotes.

Submissions (5):

Labcorp Genetics (formerly Invitae), Labcorp
Classification: Uncertain significance for Aortic aneurysm, familial thoracic 4. Last evaluated: 2025-05-26. Review status: criteria provided, single submitter. Criteria: Invitae Variant Classification Sherloc (09022015). Collection method: clinical testing. Allele origin: germline.
Comment: This sequence change replaces alanine, which is neutral and non-polar, with serine, which is neutral and polar, at codon 1420 of the MYH11 protein (p.Ala1420Ser). This variant is present in population databases (no rsID available, gnomAD 0.002%). This variant has not been reported in the literature in individuals affected with MYH11-related conditions. ClinVar contains an entry for this variant (Variation ID: 1024720). Invitae Evidence Modeling of protein sequence and biophysical properties (such as structural, functional, and spatial information, amino acid conservation, physicochemical variation, residue mobility, and thermodynamic stability) indicates that this missense variant is not expected to disrupt MYH11 protein function with a negative predictive value of 95%. In summary, the available evidence is currently insufficient to determine the role of this variant in disease. Therefore, it has been classified as a Variant of Uncertain Significance.

Ambry Genetics
Classification: Uncertain significance for Familial thoracic aortic aneurysm and aortic dissection. Last evaluated: 2025-05-18. Review status: criteria provided, single submitter. Criteria: Ambry Variant Classification Scheme 2023. Collection method: clinical testing. Allele origin: germline.
Comment: The p.A1413S variant (also known as c.4237G>T), located in coding exon 30 of the MYH11 gene, results from a G to T substitution at nucleotide position 4237. The alanine at codon 1413 is replaced by serine, an amino acid with similar properties. This amino acid position is conserved. In addition, this alteration is predicted to be tolerated by in silico analysis. Based on the available evidence, the clinical significance of this variant remains unclear.

Color Diagnostics, LLC DBA Color Health
Classification: Uncertain significance for Familial thoracic aortic aneurysm and aortic dissection. Last evaluated: 2024-03-06. Review status: criteria provided, single submitter. Criteria: ACMG Guidelines, 2015. Collection method: clinical testing. Allele origin: germline.
Comment: This missense variant replaces alanine with serine at codon 1420 of the MYH11 protein. Computational prediction suggests that this variant may not impact protein structure and function (internally defined REVEL score threshold <= 0.5, PMID: 27666373). To our knowledge, functional studies have not been reported for this variant. This variant has not been reported in individuals affected with MYH11-related disorders in the literature. This variant has been identified in 2/251476 chromosomes in the general population by the Genome Aggregation Database (gnomAD). The available evidence is insufficient to determine the role of this variant in disease conclusively. Therefore, this variant is classified as a Variant of Uncertain Significance.

All of Us Research Program, National Institutes of Health
Classification: Uncertain significance for Familial thoracic aortic aneurysm and aortic dissection. Last evaluated: 2024-01-11. Review status: criteria provided, single submitter. Criteria: ACMG Guidelines, 2015. Collection method: clinical testing. Allele origin: germline. Inheritance: Autosomal dominant inheritance. Observed: 7 variant alleles, 7 heterozygotes.
Comment: This missense variant replaces alanine with serine at codon 1420 of the MYH11 protein. Computational prediction suggests that this variant may not impact protein structure and function (internally defined REVEL score threshold <= 0.5, PMID: 27666373). To our knowledge, functional studies have not been reported for this variant. This variant has not been reported in individuals affected with cardiovascular disorders in the literature. This variant has been identified in 2/251476 chromosomes in the general population by the Genome Aggregation Database (gnomAD). The available evidence is insufficient to determine the role of this variant in disease conclusively. Therefore, this variant is classified as a Variant of Uncertain Significance.

This study involves interpretation of variants in research participants for the purpose of population health screening. Participant phenotype was not available at the time of variant classification. Additional details can be found in publication PMID: 35346344, PMCID: PMC8962531

GeneDx
Classification: Uncertain significance. Last evaluated: 2020-09-21. Review status: criteria provided, single submitter. Criteria: GeneDx Variant Classification Process June 2021. Collection method: clinical testing. Allele origin: germline. Affected: yes.
Comment: Has not been previously published as pathogenic or benign to our knowledge; Not observed at a significant frequency in large population cohorts (Lek et al., 2016); In silico analysis supports that this missense variant does not alter protein structure/function

NM_002474.3(MYH11):c.4237G>T (p.Ala1413Ser)

Genes: MYH11 (myosin heavy chain 11; minus strand), NDE1 (nudE neurodevelopment protein 1; plus strand). Cytogenetic location: 16p13.11.
Variant type: single nucleotide variant.
Coding change: c.4237G>T on transcript NM_002474.3 (MANE Select); coding-DNA position 4237, G replaced by T.
Protein change: p.Ala1413Ser; replaces alanine 1413 with serine.
Molecular consequence: missense variant. On other transcripts: 3 prime UTR variant (2).
Genome position (GRCh38, 1-based): chr16:15,724,289, C>A on the plus strand (G>T on the coding strand, the complement: MYH11 is on the minus strand). VCF-style: chr16-15724289-C-A. GRCh37 (hg19) VCF-style: chr16-15818146-C-A.
Other names: c.4258G>T, p.Ala1420Ser (NM_001040113.2, NM_001040114.2); c.4237G>T, p.Ala1413Ser (NM_022844.3); c.*38C>A (NM_001143979.2, NM_017668.3); short protein forms A1413S, A1420S.
Identifiers: ClinVar variation 1024720 (VCV001024720.17), dbSNP rs1025147024, ClinGen allele CA278605831.
Genomic context (GRCh38, chr16:15,724,289, plus strand): 5'-CCAGGTCGTCCAGCTCCTGCTGAAGCCTGTTCTTGGTCTTTTCCAGTTTATCATAAGCGG[C>A]CGCCTTCTCCTCGTACTGCTGGGTGAGGTTCTCGATCTCCTTCTGGAACCTCTTCTTCCC-3'
Protein context (NP_002465.1, residues 1403-1423): NLTQQYEEKA[Ala1413Ser]AYDKLEKTKN